The following is an entry in ClinVar:

NM_004239.4(TRIP11):c.2038G>T (p.Glu680Ter)

Gene: TRIP11 (thyroid hormone receptor interactor 11; minus strand). Cytogenetic location: 14q32.12.
Variant type: single nucleotide variant.
Coding change: c.2038G>T on transcript NM_004239.4 (MANE Select); coding-DNA position 2038, G replaced by T.
Protein change: p.Glu680Ter; replaces glutamic acid 680 with a stop codon.
Molecular consequence: nonsense.
Genome position (GRCh38, 1-based): chr14:92,005,938, C>A on the plus strand (G>T on the coding strand, the complement: TRIP11 is on the minus strand). VCF-style: chr14-92005938-C-A. GRCh37 (hg19) VCF-style: chr14-92472282-C-A.
Other names: c.2035G>T, p.Glu679Ter (NM_001321851.1); short protein forms E680*, E679*.
Identifiers: ClinVar variation 522812 (VCV000522812.4), dbSNP rs1400419650, ClinGen allele CA390658817.

ClinVar aggregate classification (germline): Pathogenic (1 of 4 stars; one submission).

Conditions:
Odontochondrodysplasia 1. Identifiers: Orphanet 166272, MedGen C5542277, MONDO:0100325, OMIM 184260.

Submission:

Undiagnosed Diseases Network, NIH
Classification: Pathogenic for Odontochondrodysplasia 1. Last evaluated: 2017-06-09. Review status: criteria provided, single submitter. Criteria: ACMG Guidelines, 2015. Collection method: clinical testing. Allele origin: maternal. Inheritance: Autosomal recessive inheritance. Affected: yes. Observed: 1 variant allele, 1 compound heterozygote. Study: Undiagnosed Diseases Network (NIH), UDN.